The following is an entry in ClinVar:

NM_000321.3(RB1):c.1087G>A (p.Asp363Asn)

Gene: RB1 (RB transcriptional corepressor 1; plus strand). Cytogenetic location: 13q14.2.
Variant type: single nucleotide variant.
Coding change: c.1087G>A on transcript NM_000321.3 (MANE Select); coding-DNA position 1087, G replaced by A.
Protein change: p.Asp363Asn; replaces aspartic acid 363 with asparagine.
Molecular consequence: missense variant.
Genome position (GRCh38, 1-based): chr13:48,368,564, G>A. VCF-style: chr13-48368564-G-A. GRCh37 (hg19) VCF-style: chr13-48942700-G-A.
Other names: c.1087G>A, p.Asp363Asn (NM_001407165.1, NM_001407166.1); short protein forms D363N.
Identifiers: ClinVar variation 4824142 (VCV004824142.1).

ClinVar aggregate classification (germline): Uncertain significance (1 of 4 stars; one submission).

Conditions:
Hereditary cancer-predisposing syndrome. Also called: Neoplastic Syndromes, Hereditary; Hereditary neoplastic syndrome; Tumor predisposition; Hereditary Cancer Syndrome. Identifiers: Orphanet 140162, MedGen C0027672, MeSH D009386, MONDO:0015356.

Submission:

Ambry Genetics
Classification: Uncertain significance for Hereditary cancer-predisposing syndrome. Last evaluated: 2026-02-19. Review status: criteria provided, single submitter. Criteria: Ambry Variant Classification Scheme 2023. Collection method: clinical testing. Allele origin: germline.
Comment: The p.D363N variant (also known as c.1087G>A), located in coding exon 11 of the RB1 gene, results from a G to A substitution at nucleotide position 1087. The aspartic acid at codon 363 is replaced by asparagine, an amino acid with highly similar properties. This amino acid position is well conserved in available vertebrate species. In addition, this alteration is predicted to be tolerated by in silico analysis. Based on the available evidence, the clinical significance of this variant remains unclear.